The following is an entry in ClinVar:

ClinVar aggregate classification (germline): Likely pathogenic. Review status: criteria provided, single submitter (1 of 4 stars). 2 submissions from 2 submitters: Likely pathogenic (1). 1 of the submissions does not count toward it. Last evaluated 2020-08-24.

Conditions:
Hereditary factor VIII deficiency disease (HEMA). Also called: HEMOPHILIA, CLASSIC; Hemophilia A; Hemophilia A, congenital; HEM A; Factor 8 deficiency, congenital; AUTOSOMAL HEMOPHILIA A. Identifiers: Orphanet 98878, MedGen C0019069, MONDO:0010602, OMIM 306700.

Submissions (2):

ARUP Laboratories, Molecular Genetics and Genomics, ARUP Laboratories
Classification: Likely pathogenic for Hereditary factor VIII deficiency disease. Last evaluated: 2020-08-24. Review status: criteria provided, single submitter. Criteria: ARUP Molecular Germline Variant Investigation Process. Collection method: clinical testing. Allele origin: germline.
Comment: The F8 c.592T>G; p.Cys198Gly variant (rs137852475), also known as Cys179Gly, is reported in the literature in several individuals affected with severe hemophilia A (Bogdanova 2005, Markoff 2009, Margaglione 2008, Mazurier 2002, Rydz 2013). This variant is reported in ClinVar (Variation ID: 10351), and is absent from general population databases (Exome Variant Server, Genome Aggregation Database), indicating it is not a common polymorphism. The cysteine at codon 198 is highly conserved, and computational analyses (SIFT, PolyPhen-2) predict that this variant is deleterious. Additionally, other amino acid substitutions at this codon (Arg, Tyr, Ser) have been reported in individuals with hemophilia A (Elmahmoudi 2012, Lu 2018, Rydz 2013). Based on available information, the p.Cys198Gly variant is considered to be likely pathogenic. References: Bogdanova N et al. Spectrum of molecular defects and mutation detection rate in patients with severe hemophilia A. Hum Mutat. 2005;26(3):249-254. Elmahmoudi H et al. First report of molecular diagnosis of Tunisian hemophiliacs A: identification of 8 novel causative mutations. Diagn Pathol. 2012;7:93. Lu Y et al. Spectrum and origin of mutations in sporadic cases of haemophilia A in China. Haemophilia. 2018;24(2):291-298. Margaglione M et al. The Italian AICE-Genetics hemophilia A database: results and correlation with clinical phenotype. Haematologica. 2008;93(5):722-728. Markoff A et al. Combined homology modelling and evolutionary significance evaluation of missense mutations in blood clotting factor VIII to highlight aspects of structure and function. Haemophilia. 2009;15(4):932-941. Mazurier C et al. Factor VIII deficiency not induced by FVIII gene mutation in a female first cousin of two brothers with haemophilia A. Br J Haematol. 2002;119(2):390-392. Rydz N et al. The Canadian "National Program for hemophilia mutation testing" database: a ten-year review. Am J Hematol. 2013;88(12):1030-1034. References: Bogdanova N et al. Spectrum of molecular defects and mutation detection rate in patients with severe hemophilia A. Hum Mutat. 2005;26(3):249-254. Elmahmoudi H et al. First report of molecular diagnosis of Tunisian hemophiliacs A: identification of 8 novel causative mutations. Diagn Pathol. 2012;7:93. Lu Y et al. Spectrum and origin of mutations in sporadic cases of haemophilia A in China. Haemophilia. 2018;24(2):291-298. Margaglione M et al. The Italian AICE-Genetics hemophilia A database: results and correlation with clinical phenotype. Haematologica. 2008;93(5):722-728. Markoff A et al. Combined homology modelling and evolutionary significance evaluation of missense mutations in blood clotting factor VIII to highlight aspects of structure and function. Haemophilia. 2009;15(4):932-941. Mazurier C et al. Factor VIII deficiency not induced by FVIII gene mutation in a female first cousin of two brothers with haemophilia A. Br J Haematol. 2002;119(2):390-392. Rydz N et al. The Canadian "National Program for hemophilia mutation testing" database: a ten-year review. Am J Hematol. 2013;88(12):1030-1034.

OMIM
Classification: Pathogenic for HEMOPHILIA A. Last evaluated: 2002-11-01. Review status: no assertion criteria provided. Collection method: literature only. Allele origin: germline. Not counted in ClinVar's aggregate classification.

Literature cited by the submitters: PubMed 12406074 (cited by OMIM).

NM_000132.4(F8):c.592T>G (p.Cys198Gly)

Gene: F8 (coagulation factor VIII; minus strand). Cytogenetic location: Xq28.
Variant type: single nucleotide variant.
Coding change: c.592T>G on transcript NM_000132.4 (MANE Select); coding-DNA position 592, T replaced by G.
Protein change: p.Cys198Gly; replaces cysteine 198 with glycine.
Molecular consequence: missense variant.
Genome position (GRCh38, 1-based): chrX:154,992,945, A>C on the plus strand (T>G on the coding strand, the complement: F8 is on the minus strand). VCF-style: chrX-154992945-A-C. GRCh37 (hg19) VCF-style: chrX-154221220-A-C.
Other names: F8, CYS179GLY; C179G; short protein forms C198G.
Identifiers: ClinVar variation 10351 (VCV000010351.9), dbSNP rs137852475, ClinGen allele CA255227.